The following is an entry in ClinVar:

NM_153704.6(TMEM67):c.577-12_577-1delinsAA

Gene: TMEM67 (transmembrane protein 67; plus strand). Cytogenetic location: 8q22.1.
Variant type: Indel.
Coding change: c.577-12_577-1delinsAA on transcript NM_153704.6 (MANE Select); 12 bases into the intron before coding-DNA position 577 through the canonical splice acceptor site of the intron before coding-DNA position 577, TTATTTATGAAG replaced by AA.
Molecular consequence: splice acceptor variant.
Genome position (GRCh38, 1-based): chr8:93,765,560-93,765,571, TTATTTATGAAG replaced by AA. VCF-style: chr8-93765560-TTATTTATGAAG-AA. GRCh37 (hg19) VCF-style: chr8-94777788-TTATTTATGAAG-AA.
Other names: c.334-12_334-1delinsAA (NM_001142301.1); c.577-12_577-1delinsAA (NM_153704.5).
Identifiers: ClinVar variation 2154365 (VCV002154365.2), dbSNP rs2536790773, ClinGen allele CA2580079058.

ClinVar aggregate classification (germline): Likely pathogenic. Review status: criteria provided, multiple submitters, no conflicts (2 of 4 stars). 2 submissions from 2 submitters: Likely pathogenic (2). Last evaluated 2026-08-05.

Conditions:
TMEM67-related disorder. Also called: TMEM67-related condition; TMEM67-related disorders. Identifiers: MedGen CN239423.
Joubert syndrome. Also called: JOUBERT-BOLTSHAUSER SYNDROME; Familial aplasia of the vermis. Identifiers: Orphanet 475, MedGen C5979921, MONDO:0018772.
Meckel-Gruber syndrome. Also called: DYSENCEPHALIA SPLANCHNOCYSTICA; GRUBER SYNDROME; Dysencephalia splachnocystica. Identifiers: Orphanet 564, MedGen C0265215, MONDO:0018921.

Submissions (2):

PreventionGenetics, part of Exact Sciences
Classification: Likely pathogenic for TMEM67-related condition. Last evaluated: 2026-08-05. Review status: criteria provided, single submitter. Criteria: ACMG Guidelines, 2015. Collection method: clinical testing. Allele origin: germline.
Comment: The TMEM67 c.577-12_577-1delinsAA variant is predicted to result in an in-frame deletion and insertion. This variant has not been reported in the literature or in a large population database (gnomAD), indicating it is rare. It disrupts the canonical splice dinucleotide in the acceptor splice site of intron 5 and is expected to disrupt RNA splicing. It is classified as likely pathogenic in ClinVar (Variation ID: 2154365). This variant is interpreted as likely pathogenic.

Labcorp Genetics (formerly Invitae), Labcorp
Classification: Likely pathogenic for Joubert syndrome; Meckel-Gruber syndrome. Last evaluated: 2022-07-18. Review status: criteria provided, single submitter. Criteria: Invitae Variant Classification Sherloc (09022015). Collection method: clinical testing. Allele origin: germline.
Comment: This sequence change affects an acceptor splice site in intron 5 of the TMEM67 gene. It is expected to disrupt RNA splicing. Variants that disrupt the donor or acceptor splice site typically lead to a loss of protein function (PMID: 16199547), and loss-of-function variants in TMEM67 are known to be pathogenic (PMID: 20232449, 23559409). This variant is not present in population databases (gnomAD no frequency). This variant has not been reported in the literature in individuals affected with TMEM67-related conditions. Algorithms developed to predict the effect of sequence changes on RNA splicing suggest that this variant may disrupt the consensus splice site. In summary, the currently available evidence indicates that the variant is pathogenic, but additional data are needed to prove that conclusively. Therefore, this variant has been classified as Likely Pathogenic.

Literature cited by the submitters: PubMed 16199547 (cited by Labcorp Genetics (formerly Invitae), Labcorp); PubMed 20232449 (cited by Labcorp Genetics (formerly Invitae), Labcorp); PubMed 23559409 (cited by Labcorp Genetics (formerly Invitae), Labcorp).